The following is an entry in ClinVar:

NM_001366145.2(TRPM3):c.4637A>G (p.Asn1546Ser)

Genes: KLF9-DT (KLF9 divergent transcript; plus strand), TRPM3 (transient receptor potential cation channel subfamily M member 3; minus strand). Cytogenetic location: 9q21.12.
Variant type: single nucleotide variant.
Coding change: c.4637A>G on transcript NM_001366145.2 (MANE Select); coding-DNA position 4637, A replaced by G.
Protein change: p.Asn1546Ser; replaces asparagine 1546 with serine.
Molecular consequence: missense variant. On other transcripts: intron variant (8).
Genome position (GRCh38, 1-based): chr9:70,536,476, T>C on the plus strand (A>G on the coding strand, the complement: TRPM3 is on the minus strand). VCF-style: chr9-70536476-T-C. GRCh37 (hg19) VCF-style: chr9-73151392-T-C.
Other names: c.4601A>G, p.Asn1534Ser (NM_001007471.4); c.4607A>G, p.Asn1536Ser (NM_001366141.2, NM_001366149.2); c.4712A>G, p.Asn1571Ser (NM_001366147.2); c.4142A>G, p.Asn1381Ser (NM_020952.6); c.4178A>G, p.Asn1393Ser (NM_024971.7); c.4112A>G, p.Asn1371Ser (NM_206944.5); c.4148A>G, p.Asn1383Ser (NM_206945.5); c.4217A>G, p.Asn1406Ser (NM_206946.5); and 9 more; short protein forms N1371S, N1381S, N1383S, N1393S, N1396S, N1406S, N1534S, N1536S.
Identifiers: ClinVar variation 1311789 (VCV001311789.2), dbSNP rs2041783872, ClinGen allele CA373548853.
Genomic context (GRCh38, chr9:70,536,476, plus strand): 5'-CTTGTGTCAATACAGTCTGTAATACTTGTGTATTCTGCTGTTTTTACAGGCACCCCAAAG[T>C]TGGCATAATAGCTCCTTGAGGGGGAAAACATAAAGCTATGAGATTTCACAATGGGAGCCT-3'
Protein context (NP_001353074.1, residues 1536-1556): MFSPSRSYYA[Asn1546Ser]FGVPVKTAEY

ClinVar aggregate classification (germline): Uncertain significance (1 of 4 stars; one submission).

gnomAD v4.1: 2 of 1,614,184 alleles (0.00012%); highest among the groups gnomAD compares: Non-Finnish European, 0.000085%; no homozygotes.

Submission:

GeneDx
Classification: Uncertain significance. Last evaluated: 2020-01-02. Review status: criteria provided, single submitter. Criteria: GeneDx Variant Classification Process June 2021. Collection method: clinical testing. Allele origin: germline. Affected: yes.
Comment: Not observed in large population cohorts (Lek et al., 2016); In silico analysis, which includes protein predictors and evolutionary conservation, supports that this variant does not alter protein structure/function; Has not been previously published as pathogenic or benign to our knowledge